The following is an entry in ClinVar:

ClinVar aggregate classification (germline): Uncertain significance (1 of 4 stars; one submission).

Submission:

GeneDx
Classification: Uncertain significance. Last evaluated: 2013-10-29. Review status: criteria provided, single submitter. Criteria: GeneDx Variant Classification (06012015). Collection method: clinical testing. Allele origin: germline. Affected: yes.
Comment: p.Val513Leu (GTG>CTG): c.1537 G>C in exon 3 of the C10ORF2 gene (NM_021830.4). The V513L missense substitution has not been published as a mutation, nor has it been reported as a benign polymorphism to our knowledge. The amino acid change is conservative as both Valine and Leucine are uncharged, non-polar amino acids. This change occurs at a position in the C10ORF2 protein where amino acids with similar properties as Valine are conserved. In-silico analyses are inconsistent in their predictions on whether or not V513L is damaging to the C10ORF2 protein. Therefore, based on the currently available information, it is unclear whether V513L is a disease-causing mutation or a rare benign variant. The variant is found in MITONUC-MITOP panel(s).

NM_021830.5(TWNK):c.1537G>C (p.Val513Leu)

Gene: TWNK (twinkle mtDNA helicase; plus strand). Cytogenetic location: 10q24.31.
Variant type: single nucleotide variant.
Coding change: c.1537G>C on transcript NM_021830.5 (MANE Select); coding-DNA position 1537, G replaced by C.
Protein change: p.Val513Leu; replaces valine 513 with leucine.
Molecular consequence: missense variant. On other transcripts: non-coding transcript variant (5).
Genome position (GRCh38, 1-based): chr10:100,990,488, G>C. VCF-style: chr10-100990488-G-C. GRCh37 (hg19) VCF-style: chr10-102750245-G-C.
Other names: p.V513L:GTG>CTG; c.1537G>C, p.Val513Leu (NM_001163812.2); c.175G>C, p.Val59Leu (NM_001163813.2, NM_001163814.2, NM_001368275.1); short protein forms V513L, V59L.
Identifiers: ClinVar variation 214189 (VCV000214189.2), dbSNP rs863223924, ClinGen allele CA320649.